The following is an entry in ClinVar:

ClinVar aggregate classification (germline): Uncertain significance. Review status: criteria provided, multiple submitters, no conflicts (2 of 4 stars). 3 submissions from 3 submitters: Uncertain significance (3). Last evaluated 2024-12-04.

Conditions:
Inborn genetic diseases. Identifiers: MedGen C0950123, MeSH D030342.
Left ventricular noncompaction 8 (LVNC8). Identifiers: Orphanet 154, Orphanet 54260, MedGen C3809288, MONDO:0014152, OMIM 615373.

Submissions (3):

Ambry Genetics
Classification: Uncertain significance for Inborn genetic diseases. Last evaluated: 2024-12-04. Review status: criteria provided, single submitter. Criteria: Ambry Variant Classification Scheme 2023. Collection method: clinical testing. Allele origin: germline.

GeneDx
Classification: Uncertain significance. Last evaluated: 2022-03-10. Review status: criteria provided, single submitter. Criteria: GeneDx Variant Classification Process June 2021. Collection method: clinical testing. Allele origin: germline. Affected: yes.
Comment: Has not been previously published as pathogenic or benign to our knowledge; Not observed at significant frequency in large population cohorts (gnomAD); In silico analysis supports that this missense variant does not alter protein structure/function

Labcorp Genetics (formerly Invitae), Labcorp
Classification: Uncertain significance for Left ventricular noncompaction 8. Last evaluated: 2021-09-18. Review status: criteria provided, single submitter. Criteria: Invitae Variant Classification Sherloc (09022015). Collection method: clinical testing. Allele origin: germline.
Comment: In summary, the available evidence is currently insufficient to determine the role of this variant in disease. Therefore, it has been classified as a Variant of Uncertain Significance. Algorithms developed to predict the effect of missense changes on protein structure and function output the following: SIFT: "Deleterious"; PolyPhen-2: "Benign"; Align-GVGD: "Class C0". The proline amino acid residue is found in multiple mammalian species, which suggests that this missense change does not adversely affect protein function. This variant has not been reported in the literature in individuals affected with PRDM16-related conditions. This variant is not present in population databases (ExAC no frequency). This sequence change replaces serine with proline at codon 797 of the PRDM16 protein (p.Ser797Pro). The serine residue is highly conserved and there is a moderate physicochemical difference between serine and proline.

NM_022114.4(PRDM16):c.2389T>C (p.Ser797Pro)

Gene: PRDM16 (PR/SET domain 16; plus strand). Cytogenetic location: 1p36.32.
Variant type: single nucleotide variant.
Coding change: c.2389T>C on transcript NM_022114.4 (MANE Select); coding-DNA position 2389, T replaced by C.
Protein change: p.Ser797Pro; replaces serine 797 with proline.
Molecular consequence: missense variant.
Genome position (GRCh38, 1-based): chr1:3,412,586, T>C. VCF-style: chr1-3412586-T-C. GRCh37 (hg19) VCF-style: chr1-3329150-T-C.
Other names: c.2389T>C, p.Ser797Pro (NM_199454.3); short protein forms S797P.
Identifiers: ClinVar variation 1438286 (VCV001438286.8), dbSNP rs2100664655, ClinGen allele CA338000300.